The following is an entry in ClinVar:

ClinVar aggregate classification (germline): Conflicting classifications of pathogenicity. Review status: criteria provided, conflicting classifications (1 of 4 stars). 4 submissions from 4 submitters: Uncertain significance (2); Likely benign (1). 1 of the submissions does not count toward it. Last evaluated 2025-11-21.

Conditions:
Peripheral neuropathy. Also called: Neuropathy. Identifiers: MedGen C0031117, MONDO:0005244, HP:0009830.
Amyotrophic lateral sclerosis type 1 (ALS1). Also called: AMYOTROPHIC LATERAL SCLEROSIS 1, FAMILIAL. Identifiers: Orphanet 803, MedGen C1862939, MONDO:0007103, OMIM 105400.
Charcot-Marie-Tooth disease axonal type 2CC. Also called: CHARCOT-MARIE-TOOTH NEUROPATHY, TYPE 2CC. Identifiers: MedGen C4310790, MONDO:0014836, OMIM 616924.

Allele frequency attached by ClinVar (database versions not stated): gnomAD exomes 0.00002; gnomAD 0.00003; ExAC 0.00005; 1000 Genomes Project 0.00160.

Submissions (4):

Labcorp Genetics (formerly Invitae), Labcorp
Classification: Uncertain significance. Last evaluated: 2025-11-21. Review status: criteria provided, single submitter. Criteria: Invitae Variant Classification Sherloc (09022015). Collection method: clinical testing. Allele origin: germline.
Comment: This sequence change replaces proline, which is neutral and non-polar, with alanine, which is neutral and non-polar, at codon 562 of the NEFH protein (p.Pro562Ala). This variant is present in population databases (rs530872313, gnomAD 0.007%). This variant has not been reported in the literature in individuals affected with NEFH-related conditions. ClinVar contains an entry for this variant (Variation ID: 1400458). Invitae Evidence Modeling of protein sequence and biophysical properties (such as structural, functional, and spatial information, amino acid conservation, physicochemical variation, residue mobility, and thermodynamic stability) indicates that this missense variant is not expected to disrupt NEFH protein function with a negative predictive value of 95%. In summary, the available evidence is currently insufficient to determine the role of this variant in disease. Therefore, it has been classified as a Variant of Uncertain Significance.

CeGaT Center for Human Genetics Tuebingen
Classification: Likely benign. Last evaluated: 2023-11-01. Review status: criteria provided, single submitter. Criteria: CeGaT Center For Human Genetics Tuebingen Variant Classification Criteria Version 2. Collection method: clinical testing. Allele origin: germline. Affected: yes. Observed: 1 variant allele.
Comment: NEFH: BP4

Department of Pathology and Laboratory Medicine, Sinai Health System
Classification: Uncertain significance for Amyotrophic lateral sclerosis type 1; Charcot-Marie-Tooth disease axonal type 2CC. Last evaluated: 2023-02-09. Review status: criteria provided, single submitter. Criteria: ACMG Guidelines, 2015. Collection method: research. Allele origin: germline.

Institute of Human Genetics, University of Wuerzburg
Classification: Uncertain significance for Peripheral neuropathy. Review status: no assertion criteria provided. Collection method: clinical testing. Allele origin: unknown. Affected: yes. Observed: 1 variant allele. Not counted in ClinVar's aggregate classification.

NM_021076.4(NEFH):c.1684C>G (p.Pro562Ala)

Gene: NEFH (neurofilament heavy chain; plus strand). Cytogenetic location: 22q12.2.
Variant type: single nucleotide variant.
Coding change: c.1684C>G on transcript NM_021076.4 (MANE Select); coding-DNA position 1684, C replaced by G.
Protein change: p.Pro562Ala; replaces proline 562 with alanine.
Molecular consequence: missense variant.
Genome position (GRCh38, 1-based): chr22:29,489,324, C>G. VCF-style: chr22-29489324-C-G. GRCh37 (hg19) VCF-style: chr22-29885313-C-G.
Other names: short protein forms P562A.
Identifiers: ClinVar variation 1400458 (VCV001400458.30), dbSNP rs530872313, ClinGen allele CA10174261.